The following is an entry in ClinVar:

NM_000302.4(PLOD1):c.698_699insCCTCTGGCCTA (p.Asp234fs)

Gene: PLOD1 (procollagen-lysine,2-oxoglutarate 5-dioxygenase 1; plus strand). Cytogenetic location: 1p36.22.
Variant type: Insertion.
Coding change: c.698_699insCCTCTGGCCTA on transcript NM_000302.4 (MANE Select); coding-DNA positions 698 to 699, CCTCTGGCCTA inserted.
Protein change: p.Asp234fs; shifts the reading frame from aspartic acid 234.
Molecular consequence: frameshift variant.
Genome position: GRCh38 VCF-style: chr1-11956963-C-CCTGGCCTACCT. GRCh37 (hg19) VCF-style: chr1-12017020-C-CCTGGCCTACCT.
Other names: c.839_840insCCTCTGGCCTA, p.Asp281fs (NM_001316320.2); short protein forms D234fs, D281fs.
Identifiers: ClinVar variation 3342063 (VCV003342063.18).

ClinVar aggregate classification (germline): Pathogenic/Likely pathogenic. Review status: criteria provided, multiple submitters, no conflicts (2 of 4 stars). 3 submissions from 3 submitters: Pathogenic (2); Likely pathogenic (1). Last evaluated 2025-12-20.

Conditions:
Ehlers-Danlos syndrome, kyphoscoliotic type 1 (EDSKSCL1). Also called: EHLERS-DANLOS SYNDROME, TYPE VIA; Ehlers-Danlos syndrome, hydroxylysine-deficient; EHLERS-DANLOS SYNDROME, OCULAR-SCOLIOTIC TYPE; PLOD1-Related Kyphoscoliotic Ehlers-Danlos Syndrome. Identifiers: Orphanet 1900, MedGen C0268342, MONDO:0016002, OMIM 225400. Disease mechanism: loss of function.

Submissions (3):

Labcorp Genetics (formerly Invitae), Labcorp
Classification: Pathogenic for Ehlers-Danlos syndrome, kyphoscoliotic type 1. Last evaluated: 2025-12-20. Review status: criteria provided, single submitter. Criteria: Invitae Variant Classification Sherloc (09022015). Collection method: clinical testing. Allele origin: germline.
Comment: This sequence change creates a premature translational stop signal (p.Asp234Leufs*10) in the PLOD1 gene. It is expected to result in an absent or disrupted protein product. Loss-of-function variants in PLOD1 are known to be pathogenic (PMID: 10874315, 21699693). This variant is not present in population databases (gnomAD no frequency). This variant has not been reported in the literature in individuals affected with PLOD1-related conditions. ClinVar contains an entry for this variant (Variation ID: 3342063). For these reasons, this variant has been classified as Pathogenic.

CeGaT Center for Human Genetics Tuebingen
Classification: Pathogenic. Last evaluated: 2024-08-01. Review status: criteria provided, single submitter. Criteria: CeGaT Center For Human Genetics Tuebingen Variant Classification Criteria Version 2. Collection method: clinical testing. Allele origin: germline. Affected: yes. Observed: 1 variant allele.
Comment: PLOD1: PVS1, PM2

Fulgent Genetics
Classification: Likely pathogenic for Ehlers-Danlos syndrome, kyphoscoliotic type 1. Last evaluated: 2024-03-15. Review status: criteria provided, single submitter. Criteria: ACMG Guidelines, 2015. Collection method: clinical testing. Allele origin: germline.

Literature cited by the submitters: PubMed 10874315 (cited by Labcorp Genetics (formerly Invitae), Labcorp); PubMed 21699693 (cited by Labcorp Genetics (formerly Invitae), Labcorp).